The following is an entry in ClinVar:

NM_001197104.2(KMT2A):c.7178del (p.Asn2393fs)

Gene: KMT2A (lysine methyltransferase 2A; plus strand). Cytogenetic location: 11q23.3.
Variant type: Deletion.
Coding change: c.7178del on transcript NM_001197104.2 (MANE Select); coding-DNA position 7178, one base deleted (A; older notation c.7178delA).
Protein change: p.Asn2393fs; shifts the reading frame from asparagine 2393.
Molecular consequence: frameshift variant.
Genome position (GRCh38, 1-based): chr11:118,503,070, A deleted; the last of 3 consecutive A bases (chr11:118,503,068-118,503,070); deleting any one gives the same sequence. VCF-style (leftmost placement, unchanged base first): chr11-118503067-CA-C. GRCh37 (hg19) VCF-style: chr11-118373782-CA-C.
Other names: c.7268del, p.Asn2423fs (NM_001412597.1); c.7169del, p.Asn2390fs (NM_005933.4); short protein forms N2390fs, N2393fs, N2423fs.
Identifiers: ClinVar variation 3383970 (VCV003383970.2).

ClinVar aggregate classification (germline): Pathogenic (1 of 4 stars; one submission).

Conditions:
Wiedemann-Steiner syndrome (WDSTS). Also called: Growth deficiency and mental retardation with facial dysmorphism. Identifiers: Orphanet 319182, MedGen C1854630, MONDO:0011518, OMIM 605130.

Submission:

Molecular Genetics Laboratory, Motol Hospital
Classification: Pathogenic for Wiedemann-Steiner syndrome. Last evaluated: 2024-12-06. Review status: criteria provided, single submitter. Criteria: ACMG Guidelines, 2015. Collection method: clinical testing. Allele origin: de novo. Affected: yes. Observed: 1 variant allele.
Comment: The variant was confirmed to be of a de novo origin. Rare variants affecting the KMT2A gene are documented as a molecular cause of "Wiedemann-Steiner syndrome" (WDSTS, OMIM:605130) (PMID:25810209;22795537;31044088). To conclude, the variant is classified as pathogenic (ACMG PVS1, PM2, PS2).

Literature cited by the submitters: PubMed 25810209; PubMed 22795537; PubMed 31044088.